The following is an entry in ClinVar:

ClinVar aggregate classification (germline): Conflicting classifications of pathogenicity. Review status: criteria provided, conflicting classifications (1 of 4 stars). 3 submissions from 3 submitters: Uncertain significance (1); Benign (1); Likely benign (1). Last evaluated 2023-12-22.

Conditions:
Infantile myofibromatosis (IMF). Also called: Congenital generalized fibromatosis. Identifiers: Orphanet 2591, MedGen C0432284, MONDO:0016824.
Skeletal overgrowth-craniofacial dysmorphism-hyperelastic skin-white matter lesions syndrome. Also called: SKELETAL OVERGROWTH WITH FACIAL DYSMORPHISM, HYPERELASTIC SKIN, WHITE MATTER LESIONS, AND NEUROLOGIC DETERIORATION; Kosaki overgrowth syndrome. Identifiers: Orphanet 477831, MedGen C4225270, MONDO:0014704, OMIM 616592.
Basal ganglia calcification, idiopathic, 4 (PFBC4). Also called: Familial Idiopathic Basal Ganglia Calcification 4; PRIMARY FAMILIAL BRAIN CALCIFICATION 4, AUTOSOMAL DOMINANT. Identifiers: Orphanet 1980, MedGen C3554321, MONDO:0014004, OMIM 615007.
Acroosteolysis-keloid-like lesions-premature aging syndrome. Also called: Premature aging syndrome, Penttinen type; Prematurely aged appearance, delayed bone maturation, acro-osteolysis, and brachydactyly; Progeroid syndrome, Penttinen type. Identifiers: Orphanet 363665, MedGen C1866182, MONDO:0011150, OMIM 601812.

Allele frequency attached by ClinVar (database versions not stated): gnomAD 0.00003; TOPMed 0.00003; 1000 Genomes Project 0.00020; ExAC 0.00001; gnomAD exomes 0.00003; 1000 Genomes Project 30x 0.00016.
gnomAD v4.1: 48 of 1,613,400 alleles (0.003%); highest among the groups gnomAD compares: East Asian, 0.02%; no homozygotes.

Submissions (3):

Labcorp Genetics (formerly Invitae), Labcorp
Classification: Benign for Basal ganglia calcification, idiopathic, 4; Skeletal overgrowth-craniofacial dysmorphism-hyperelastic skin-white matter lesions syndrome; Infantile myofibromatosis; Acroosteolysis-keloid-like lesions-premature aging syndrome. Last evaluated: 2023-12-22. Review status: criteria provided, single submitter. Criteria: Invitae Variant Classification Sherloc (09022015). Collection method: clinical testing. Allele origin: germline.

Blueprint Genetics
Classification: Likely benign. Last evaluated: 2023-03-13. Review status: criteria provided, single submitter. Criteria: ACMG Guidelines, 2015. Collection method: clinical testing. Allele origin: germline.

CeGaT Center for Human Genetics Tuebingen
Classification: Uncertain significance. Last evaluated: 2022-05-01. Review status: criteria provided, single submitter. Criteria: CeGaT Center For Human Genetics Tuebingen Variant Classification Criteria Version 2. Collection method: clinical testing. Allele origin: germline. Affected: yes. Observed: 1 variant allele.
Comment: PDGFRB: PM2, BP4

NM_002609.4(PDGFRB):c.2243C>T (p.Ser748Leu)

Gene: PDGFRB (platelet derived growth factor receptor beta; minus strand). Cytogenetic location: 5q32.
Variant type: single nucleotide variant.
Coding change: c.2243C>T on transcript NM_002609.4 (MANE Select); coding-DNA position 2243, C replaced by T.
Protein change: p.Ser748Leu; replaces serine 748 with leucine.
Molecular consequence: missense variant.
Genome position (GRCh38, 1-based): chr5:150,121,981, G>A on the plus strand (C>T on the coding strand, the complement: PDGFRB is on the minus strand). VCF-style: chr5-150121981-G-A. GRCh37 (hg19) VCF-style: chr5-149501544-G-A.
Other names: c.2051C>T, p.Ser684Leu (NM_001355016.2); c.1760C>T, p.Ser587Leu (NM_001355017.2); short protein forms S587L, S684L, S748L.
Identifiers: ClinVar variation 2178345 (VCV002178345.29), dbSNP rs537725629, ClinGen allele CA3507704.